The following is an entry in ClinVar:

NM_004646.4(NPHS1):c.3481+5G>T

Gene: NPHS1 (NPHS1 adhesion molecule, nephrin; minus strand). Cytogenetic location: 19q13.12.
Variant type: single nucleotide variant.
Coding change: c.3481+5G>T on transcript NM_004646.4 (MANE Select); 5 bases into the intron after coding-DNA position 3481, G replaced by T.
Molecular consequence: intron variant.
Genome position (GRCh38, 1-based): chr19:35,831,048, C>A on the plus strand (G>T on the coding strand, the complement: NPHS1 is on the minus strand). VCF-style: chr19-35831048-C-A. GRCh37 (hg19) VCF-style: chr19-36321950-C-A.
Identifiers: ClinVar variation 4531718 (VCV004531718.1).

ClinVar aggregate classification (germline): Uncertain significance (1 of 4 stars; one submission).

Conditions:
Finnish congenital nephrotic syndrome (NPHS1). Also called: NEPHROTIC SYNDROME, TYPE 1. Identifiers: Orphanet 839, MedGen C0403399, MONDO:0009732, OMIM 256300.

Submission:

Victorian Clinical Genetics Services, Murdoch Childrens Research Institute
Classification: Uncertain significance for Finnish congenital nephrotic syndrome. Last evaluated: 2024-10-22. Review status: criteria provided, single submitter. Criteria: ACMG Guidelines, 2015. Collection method: clinical testing. Allele origin: germline. Affected: yes.
Comment: This variant is classified as VUS-3A. Evidence in support of pathogenic classification: Non-canonical splice site variant without proven consequence on splicing (no functional evidence available); Variant is absent from gnomAD (v2, v3 and v4). Additional information: This variant is heterozygous; This gene is associated with autosomal recessive disease; An alternative substitution at the same nucleotide position is observed in gnomAD (v4: 3 heterozygote(s), 0 homozygote(s)); This variant has no previous evidence of pathogenicity; No published segregation evidence has been identified for this variant; No published functional evidence has been identified for this variant; No comparable splice region variants have previous evidence for pathogenicity; In silico prediction for abnormal splicing and nucleotide conservation are conflicting; Loss of function is a known mechanism of disease in this gene and is associated with nephrotic syndrome, type 1 (MIM#256300).